The following is an entry in ClinVar:

NM_001396959.1(TBC1D1):c.402C>T (p.Ala134=)

Gene: TBC1D1 (TBC1 domain family member 1; plus strand). Cytogenetic location: 4p14.
Variant type: single nucleotide variant.
Coding change: c.402C>T on transcript NM_001396959.1 (MANE Select); coding-DNA position 402, C replaced by T.
Protein change: p.Ala134=; no amino-acid change (alanine 134 retained).
Molecular consequence: synonymous variant.
Genome position (GRCh38, 1-based): chr4:37,902,497, C>T. VCF-style: chr4-37902497-C-T. GRCh37 (hg19) VCF-style: chr4-37904118-C-T.
Other names: c.402C>T, p.Ala134= (NM_001253912.2, NM_015173.4).
Identifiers: ClinVar variation 3042782 (VCV003042782.2), dbSNP rs143128138, ClinGen allele CA2887250.

ClinVar aggregate classification (germline): Likely benign (0 of 4 stars; one submission).

Conditions:
TBC1D1-related disorder. Also called: TBC1D1-related condition.

Allele frequency attached by ClinVar (database versions not stated): ExAC 0.00004; TOPMed 0.00007; ESP Exome Variant Server 0.00008; gnomAD 0.00009; gnomAD exomes 0.00009.
gnomAD v4.1: 140 of 1,595,108 alleles (0.0088%); highest among the groups gnomAD compares: Non-Finnish European, 0.011%; no homozygotes.

Submission:

PreventionGenetics, part of Exact Sciences
Classification: Likely benign for TBC1D1-related condition. Last evaluated: 2019-06-26. Review status: no assertion criteria provided. Collection method: clinical testing. Allele origin: germline.
Comment: This variant is classified as likely benign based on ACMG/AMP sequence variant interpretation guidelines (Richards et al. 2015 PMID: 25741868, with internal and published modifications).